The following is an entry in ClinVar:

ClinVar aggregate classification (germline): Uncertain significance (1 of 4 stars; one submission).

Submission:

GeneDx
Classification: Uncertain significance. Last evaluated: 2023-01-27. Review status: criteria provided, single submitter. Criteria: GeneDx Variant Classification Process June 2021. Collection method: clinical testing. Allele origin: germline. Affected: yes.
Comment: Not observed at significant frequency in large population cohorts (gnomAD); Loss-of-function variant in the 5' region of the gene where loss-of-function has not been definitively established as a disease mechanism (Monteiro and Feng, 2017); Has not been previously published as pathogenic or benign to our knowledge; This variant is associated with the following publications: (PMID: 28179641)

NM_001372044.2(SHANK3):c.334C>T (p.Gln112Ter)

Gene: SHANK3 (SH3 and multiple ankyrin repeat domains 3; plus strand). Cytogenetic location: 22q13.33.
Variant type: single nucleotide variant.
Coding change: c.334C>T on transcript NM_001372044.2 (MANE Select); coding-DNA position 334, C replaced by T.
Protein change: p.Gln112Ter; replaces glutamine 112 with a stop codon.
Molecular consequence: nonsense.
Genome position (GRCh38, 1-based): chr22:50,675,093, C>T. VCF-style: chr22-50675093-C-T. GRCh37 (hg19) VCF-style: chr22-51113521-C-T.
Other names: c.109C>T (NM_033517.1); short protein forms Q112*.
Identifiers: ClinVar variation 1695604 (VCV001695604.4), dbSNP rs547796852, ClinGen allele CA515251123.